The following is an entry in ClinVar:

NM_000179.3(MSH6):c.885dup (p.Val296fs)

Gene: MSH6 (mutS homolog 6; plus strand). Cytogenetic location: 2p16.3.
Variant type: Duplication.
Coding change: c.885dup on transcript NM_000179.3 (MANE Select); coding-DNA position 885, one base duplicated (A; older notation c.885dupA).
Protein change: p.Val296fs; shifts the reading frame from valine 296.
Molecular consequence: frameshift variant. On other transcripts: 5 prime UTR variant (2).
Genome position (GRCh38, 1-based): chr2:47,798,868, A duplicated; the last of 3 consecutive A bases (chr2:47,798,866-47,798,868); duplicating any one gives the same sequence. VCF-style (leftmost placement, unchanged base first): chr2-47798865-C-CA. GRCh37 (hg19) VCF-style: chr2-48026004-C-CA.
Other names: c.495dup, p.Val166fs (NM_001281492.2); c.-22dup (NM_001281493.2, NM_001281494.2); c.885dupA (NM_000179.2); short protein forms V166fs, V296fs.
Identifiers: ClinVar variation 641585 (VCV000641585.10), dbSNP rs1572720704, ClinGen allele CA645514865.

ClinVar aggregate classification (germline): Pathogenic. Review status: criteria provided, multiple submitters, no conflicts (2 of 4 stars). 4 submissions from 4 submitters: Pathogenic (3). 1 of the submissions does not count toward it. Last evaluated 2023-08-11.

Conditions:
Lynch syndrome 5 (LYNCH5). Also called: Hereditary non-polyposis colorectal cancer, type 5; Colorectal cancer, hereditary nonpolyposis, type 5. Identifiers: Orphanet 144, MedGen C1833477, MONDO:0013710, OMIM 614350. Disease mechanism: loss of function.
Hereditary nonpolyposis colorectal neoplasms. Identifiers: MedGen C0009405, MeSH D003123.
Endometrial carcinoma. Also called: Endometrial carcinoma, somatic. Identifiers: MedGen C0476089, MONDO:0002447, OMIM 608089, HP:0012114.
Hereditary cancer-predisposing syndrome. Also called: Neoplastic Syndromes, Hereditary; Tumor predisposition; Hereditary neoplastic syndrome; Hereditary Cancer Syndrome. Identifiers: Orphanet 140162, MedGen C0027672, MeSH D009386, MONDO:0015356.

Submissions (4):

Myriad Genetics, Inc.
Classification: Pathogenic for Lynch syndrome 5. Last evaluated: 2023-08-11. Review status: criteria provided, single submitter. Criteria: Myriad Autosomal Dominant, Autosomal Recessive and X-Linked Classification Criteria (2023). Collection method: clinical testing. Allele origin: unknown.
Comment: This variant is considered pathogenic. This variant creates a frameshift predicted to result in premature protein truncation.

Labcorp Genetics (formerly Invitae), Labcorp
Classification: Pathogenic for Hereditary nonpolyposis colorectal neoplasms. Last evaluated: 2022-01-26. Review status: criteria provided, single submitter. Criteria: Invitae Variant Classification Sherloc (09022015). Collection method: clinical testing. Allele origin: germline.
Comment: For these reasons, this variant has been classified as Pathogenic. ClinVar contains an entry for this variant (Variation ID: 641585). This variant has not been reported in the literature in individuals affected with MSH6-related conditions. This variant is not present in population databases (gnomAD no frequency). This sequence change creates a premature translational stop signal (p.Val296Serfs*16) in the MSH6 gene. It is expected to result in an absent or disrupted protein product. Loss-of-function variants in MSH6 are known to be pathogenic (PMID: 18269114, 24362816).

Ambry Genetics
Classification: Pathogenic for Hereditary cancer-predisposing syndrome. Last evaluated: 2021-01-20. Review status: criteria provided, single submitter. Criteria: Ambry Variant Classification Scheme 2023. Collection method: clinical testing. Allele origin: germline.
Comment: The c.885dupA pathogenic mutation, located in coding exon 4 of the MSH6 gene, results from a duplication of A at nucleotide position 885, causing a translational frameshift with a predicted alternate stop codon (p.V296Sfs*16). This alteration is expected to result in loss of function by premature protein truncation or nonsense-mediated mRNA decay. As such, this alteration is interpreted as a disease-causing mutation.

CZECANCA consortium
Classification: Pathogenic for Endometrial carcinoma. Last evaluated: 2023-02-21. Review status: no assertion criteria provided. Collection method: clinical testing. Allele origin: germline. Affected: yes. Observed: 1 variant allele. Not counted in ClinVar's aggregate classification.

Literature cited by the submitters: PubMed 18269114 (cited by Labcorp Genetics (formerly Invitae), Labcorp); PubMed 24362816 (cited by Labcorp Genetics (formerly Invitae), Labcorp).